The following is an entry in ClinVar:

ClinVar aggregate classification (germline): Uncertain significance (1 of 4 stars; one submission).

Conditions:
Alpha thalassemia-X-linked intellectual disability syndrome (ATRX). Also called: ALPHA-THALASSEMIA/MENTAL RETARDATION SYNDROME, X-LINKED; ATR, NONDELETION TYPE; X-linked alpha-thalassemia-mental retardation syndrome; ATR-X syndrome; Alpha thalassemia mental retardation syndrome, nondeletion type, X-linked; XLMR hypotonic face syndrome. Identifiers: Orphanet 847, MedGen C1845055, MONDO:0010519, OMIM 301040.

Submission:

Labcorp Genetics (formerly Invitae), Labcorp
Classification: Uncertain significance for Alpha thalassemia-X-linked intellectual disability syndrome. Last evaluated: 2024-03-05. Review status: criteria provided, single submitter. Criteria: Invitae Variant Classification Sherloc (09022015). Collection method: clinical testing. Allele origin: germline.
Comment: This sequence change replaces glutamic acid, which is acidic and polar, with lysine, which is basic and polar, at codon 1395 of the ATRX protein (p.Glu1395Lys). This variant is not present in population databases (gnomAD no frequency). This variant has not been reported in the literature in individuals affected with ATRX-related conditions. ClinVar contains an entry for this variant (Variation ID: 1717444). Advanced modeling of protein sequence and biophysical properties (such as structural, functional, and spatial information, amino acid conservation, physicochemical variation, residue mobility, and thermodynamic stability) performed at Invitae indicates that this missense variant is not expected to disrupt ATRX protein function with a negative predictive value of 95%. In summary, the available evidence is currently insufficient to determine the role of this variant in disease. Therefore, it has been classified as a Variant of Uncertain Significance.

NM_000489.6(ATRX):c.4183G>A (p.Glu1395Lys)

Gene: ATRX (ATRX chromatin remodeler; minus strand). Cytogenetic location: Xq21.1.
Variant type: single nucleotide variant.
Coding change: c.4183G>A on transcript NM_000489.6 (MANE Select); coding-DNA position 4183, G replaced by A.
Protein change: p.Glu1395Lys; replaces glutamic acid 1395 with lysine.
Molecular consequence: missense variant.
Genome position (GRCh38, 1-based): chrX:77,656,591, C>T on the plus strand (G>A on the coding strand, the complement: ATRX is on the minus strand). VCF-style: chrX-77656591-C-T. GRCh37 (hg19) VCF-style: chrX-76912081-C-T.
Other names: c.4069G>A, p.Glu1357Lys (NM_138270.5); short protein forms E1357K, E1395K.
Identifiers: ClinVar variation 1717444 (VCV001717444.6), dbSNP rs2148460800, ClinGen allele CA413710583.
Genomic context (GRCh38, chrX:77,656,591, plus strand): 5'-TAAAATTTTTTAAAAACCAATTATAATACCTTGTTCTGGGCCGCTGTTCATCTTCGGATT[C>T]ACTAACTTCTTCACTAACTCCTGATTCCTGAAAATCAGAATCTTCTGAATCTTCACTGCT-3'
Protein context (NP_000480.3, residues 1385-1405): QESGVSEEVS[Glu1395Lys]SEDEQRPRTR